The following is an entry in ClinVar:

ClinVar aggregate classification (germline): Likely benign. Review status: criteria provided, multiple submitters, no conflicts (2 of 4 stars). 3 submissions from 3 submitters: Likely benign (3). Last evaluated 2023-06-02.

Conditions:
Ornithine carbamoyltransferase deficiency (OTCD). Also called: Ornithine Carbamoyltransferase Deficiency Disease; OTC DEFICIENCY; ORNITHINE TRANSCARBAMYLASE DEFICIENCY, HYPERAMMONEMIA DUE TO; ORNITHINE TRANSCARBAMYLASE DEFICIENCY. Identifiers: Orphanet 664, MedGen C0268542, MONDO:0010703, OMIM 311250.

Allele frequency attached by ClinVar (database versions not stated): TOPMed 0.00001.

Submissions (3):

Labcorp Genetics (formerly Invitae), Labcorp
Classification: Likely benign for Ornithine carbamoyltransferase deficiency. Last evaluated: 2023-06-02. Review status: criteria provided, single submitter. Criteria: Invitae Variant Classification Sherloc (09022015). Collection method: clinical testing. Allele origin: germline.

All of Us Research Program, National Institutes of Health
Classification: Likely benign for Ornithine carbamoyltransferase deficiency. Last evaluated: 2023-04-28. Review status: criteria provided, single submitter. Criteria: ACMG Guidelines, 2015. Collection method: clinical testing. Allele origin: germline. Inheritance: X-linked inheritance. Observed: 1 variant allele, 1 heterozygote.
Comment: This study involves interpretation of variants in research participants for the purpose of population health screening. Participant phenotype was not available at the time of variant classification. Additional details can be found in publication PMID: 35346344, PMCID: PMC8962531

Color Diagnostics, LLC DBA Color Health
Classification: Likely benign for Ornithine carbamoyltransferase deficiency. Last evaluated: 2022-04-21. Review status: criteria provided, single submitter. Criteria: ACMG Guidelines, 2015. Collection method: clinical testing. Allele origin: germline.

NM_000531.6(OTC):c.642C>T (p.His214=)

Gene: OTC (ornithine transcarbamylase; plus strand). Cytogenetic location: Xp11.4.
Variant type: single nucleotide variant.
Coding change: c.642C>T on transcript NM_000531.6 (MANE Select); coding-DNA position 642, C replaced by T.
Protein change: p.His214=; no amino-acid change (histidine 214 retained).
Molecular consequence: synonymous variant.
Genome position (GRCh38, 1-based): chrX:38,403,719, C>T. VCF-style: chrX-38403719-C-T. GRCh37 (hg19) VCF-style: chrX-38262972-C-T.
Identifiers: ClinVar variation 754636 (VCV000754636.12), dbSNP rs1602031079, ClinGen allele CA515650721.
Genomic context (GRCh38, chrX:38,403,719, plus strand): 5'-CGGGGATGGGAACAATATCCTGCACTCCATCATGATGAGCGCAGCGAAATTCGGAATGCA[C>T]CTTCAGGCAGCTACTCCAAAGGTAGGGAAACTTTTTGCCTTGAAACTAACCCCTCTCTTA-3'
Protein context (NP_000522.3, residues 204-224): IMMSAAKFGM[His214=]LQAATPKGYE